The following is an entry in ClinVar:

ClinVar aggregate classification (germline): Likely pathogenic (1 of 4 stars; one submission).

Conditions:
Norman-Roberts syndrome (LIS2). Also called: Lissencephaly 2 (Norman-Roberts type). Identifiers: Orphanet 89844, MedGen C0796089, MONDO:0009760, OMIM 257320.

gnomAD v4.1: 1 of 1,614,084 alleles (0.000062%); highest among the groups gnomAD compares: African/African-American, 0.0013%; no homozygotes.

Submission:

Greenwood Genetic Center Diagnostic Laboratories, Greenwood Genetic Center
Classification: Likely pathogenic for Norman-Roberts syndrome. Last evaluated: 2022-10-26. Review status: criteria provided, single submitter. Criteria: ACMG Guidelines, 2015. Collection method: clinical testing. Allele origin: germline. Affected: yes.
Comment: PVS1, PM2

NM_005045.4(RELN):c.7120G>T (p.Glu2374Ter)

Gene: RELN (reelin; minus strand). Cytogenetic location: 7q22.1.
Variant type: single nucleotide variant.
Coding change: c.7120G>T on transcript NM_005045.4 (MANE Select); coding-DNA position 7120, G replaced by T.
Protein change: p.Glu2374Ter; replaces glutamic acid 2374 with a stop codon.
Molecular consequence: nonsense.
Genome position (GRCh38, 1-based): chr7:103,539,138, C>A on the plus strand (G>T on the coding strand, the complement: RELN is on the minus strand). VCF-style: chr7-103539138-C-A. GRCh37 (hg19) VCF-style: chr7-103179585-C-A.
Other names: c.7120G>T, p.Glu2374Ter (NM_173054.3); short protein forms E2374*.
Identifiers: ClinVar variation 2429087 (VCV002429087.3), dbSNP rs1272217791, ClinGen allele CA368769106.